The following is an entry in ClinVar:

NM_000302.4(PLOD1):c.1141G>T (p.Val381Leu)

Gene: PLOD1 (procollagen-lysine,2-oxoglutarate 5-dioxygenase 1; plus strand). Cytogenetic location: 1p36.22.
Variant type: single nucleotide variant.
Coding change: c.1141G>T on transcript NM_000302.4 (MANE Select); coding-DNA position 1141, G replaced by T.
Protein change: p.Val381Leu; replaces valine 381 with leucine.
Molecular consequence: missense variant.
Genome position (GRCh38, 1-based): chr1:11,963,575, G>T. VCF-style: chr1-11963575-G-T. GRCh37 (hg19) VCF-style: chr1-12023632-G-T.
Other names: c.1282G>T, p.Val428Leu (NM_001316320.2); short protein forms V381L, V428L.
Identifiers: ClinVar variation 1398812 (VCV001398812.8), dbSNP rs2230896, ClinGen allele CA338439951.
Genomic context (GRCh38, chr1:11,963,575, plus strand): 5'-TGTCCTCCTCCTTGCAGAGACCTGTGCCGGCAGGACCGCAGCTGCACCTACTACTTCAGC[G>T]TGGATGCTGACGTGGCCCTGACCGAGCCCAACAGCCTGCGGCTGCTGATCCAACAGAACA-3'
Protein context (NP_000293.2, residues 371-391): QDRSCTYYFS[Val381Leu]DADVALTEPN

ClinVar aggregate classification (germline): Uncertain significance. Review status: criteria provided, multiple submitters, no conflicts (2 of 4 stars). 3 submissions from 3 submitters: Uncertain significance (3). Last evaluated 2024-07-01.

Conditions:
Familial thoracic aortic aneurysm and aortic dissection (TAAD). Also called: Thoracic aortic aneurysms and dissections. Identifiers: Orphanet 91387, MedGen C4707243, MONDO:0019625.
Ehlers-Danlos syndrome, kyphoscoliotic type 1 (EDSKSCL1). Also called: EHLERS-DANLOS SYNDROME, OCULAR-SCOLIOTIC TYPE; PLOD1-Related Kyphoscoliotic Ehlers-Danlos Syndrome; EHLERS-DANLOS SYNDROME, TYPE VIA; Ehlers-Danlos syndrome, hydroxylysine-deficient. Identifiers: Orphanet 1900, MedGen C0268342, MONDO:0016002, OMIM 225400. Disease mechanism: loss of function.

gnomAD v4.1: 12 of 1,605,070 alleles (0.00075%); highest among the groups gnomAD compares: Non-Finnish European, 0.00093%; no homozygotes.

Submissions (3):

Women's Health and Genetics/Laboratory Corporation of America, LabCorp
Classification: Uncertain significance. Last evaluated: 2024-07-01. Review status: criteria provided, single submitter. Criteria: LabCorp Variant Classification Summary - May 2015. Collection method: clinical testing. Allele origin: germline.

Ambry Genetics
Classification: Uncertain significance for Familial thoracic aortic aneurysm and aortic dissection. Last evaluated: 2023-06-01. Review status: criteria provided, single submitter. Criteria: Ambry Variant Classification Scheme 2023. Collection method: clinical testing. Allele origin: germline.
Comment: The p.V381L variant (also known as c.1141G>T), located in coding exon 11 of the PLOD1 gene, results from a G to T substitution at nucleotide position 1141. The valine at codon 381 is replaced by leucine, an amino acid with highly similar properties. This amino acid position is poorly conserved in available vertebrate species, and leucine is the reference amino acid in other vertebrate species. In addition, this alteration is predicted to be tolerated by in silico analysis. Since supporting evidence is limited at this time, the clinical significance of this alteration remains unclear.

Labcorp Genetics (formerly Invitae), Labcorp
Classification: Uncertain significance for Ehlers-Danlos syndrome, kyphoscoliotic type 1. Last evaluated: 2021-09-01. Review status: criteria provided, single submitter. Criteria: Invitae Variant Classification Sherloc (09022015). Collection method: clinical testing. Allele origin: germline.
Comment: This sequence change replaces valine with leucine at codon 381 of the PLOD1 protein (p.Val381Leu). The valine residue is moderately conserved and there is a small physicochemical difference between valine and leucine. This variant is not present in population databases (ExAC no frequency). This variant has not been reported in the literature in individuals affected with PLOD1-related conditions. Algorithms developed to predict the effect of missense changes on protein structure and function (SIFT, PolyPhen-2, Align-GVGD) all suggest that this variant is likely to be tolerated. In summary, the available evidence is currently insufficient to determine the role of this variant in disease. Therefore, it has been classified as a Variant of Uncertain Significance.